The following is an entry in ClinVar:

NM_015352.2(POFUT1):c.694C>T (p.Arg232Trp)

Gene: POFUT1 (protein O-fucosyltransferase 1; plus strand). Cytogenetic location: 20q11.21.
Variant type: single nucleotide variant.
Coding change: c.694C>T on transcript NM_015352.2 (MANE Select); coding-DNA position 694, C replaced by T.
Protein change: p.Arg232Trp; replaces arginine 232 with tryptophan.
Molecular consequence: missense variant.
Genome position (GRCh38, 1-based): chr20:32,228,414, C>T. VCF-style: chr20-32228414-C-T. GRCh37 (hg19) VCF-style: chr20-30816217-C-T.
Other names: short protein forms R232W.
Identifiers: ClinVar variation 2188087 (VCV002188087.4), dbSNP rs146299196, ClinGen allele CA9807334.

ClinVar aggregate classification (germline): Uncertain significance (1 of 4 stars; one submission).

Conditions:
Dowling-Degos disease 2 (DDD2). Identifiers: Orphanet 79145, MedGen C3809147, MONDO:0014130, OMIM 615327.

Allele frequency attached by ClinVar (database versions not stated): gnomAD exomes below 0.00001; gnomAD 0.00001; TOPMed 0.00002; ExAC 0.00003; ESP Exome Variant Server 0.00015.

Submission:

Labcorp Genetics (formerly Invitae), Labcorp
Classification: Uncertain significance for Dowling-Degos disease 2. Last evaluated: 2024-02-13. Review status: criteria provided, single submitter. Criteria: Invitae Variant Classification Sherloc (09022015). Collection method: clinical testing. Allele origin: germline.
Comment: This sequence change replaces arginine, which is basic and polar, with tryptophan, which is neutral and slightly polar, at codon 232 of the POFUT1 protein (p.Arg232Trp). This variant is present in population databases (rs146299196, gnomAD 0.01%). This variant has not been reported in the literature in individuals affected with POFUT1-related conditions. ClinVar contains an entry for this variant (Variation ID: 2188087). An algorithm developed to predict the effect of missense changes on protein structure and function (PolyPhen-2) suggests that this variant is likely to be disruptive. Algorithms developed to predict the effect of sequence changes on RNA splicing suggest that this variant may create or strengthen a splice site. In summary, the available evidence is currently insufficient to determine the role of this variant in disease. Therefore, it has been classified as a Variant of Uncertain Significance.